The following is an entry in ClinVar:

NM_000038.6(APC):c.8235T>A (p.Pro2745=)

Gene: APC (APC regulator of Wnt signaling pathway; plus strand). Cytogenetic location: 5q22.2.
Variant type: single nucleotide variant.
Coding change: c.8235T>A on transcript NM_000038.6 (MANE Select); coding-DNA position 8235, T replaced by A.
Protein change: p.Pro2745=; no amino-acid change (proline 2745 retained).
Molecular consequence: synonymous variant.
Genome position (GRCh38, 1-based): chr5:112,843,829, T>A. VCF-style: chr5-112843829-T-A. GRCh37 (hg19) VCF-style: chr5-112179526-T-A.
Other names: c.8235T>A, p.Pro2745= (NM_001127510.3, NM_001354895.2); c.8181T>A, p.Pro2727= (NM_001127511.3); c.8289T>A, p.Pro2763= (NM_001354896.2); c.8265T>A, p.Pro2755= (NM_001354897.2); c.8160T>A, p.Pro2720= (NM_001354898.2); c.8151T>A, p.Pro2717= (NM_001354899.2); c.8112T>A, p.Pro2704= (NM_001354900.2); c.8058T>A, p.Pro2686= (NM_001354901.2); and 5 more.
Identifiers: ClinVar variation 184410 (VCV000184410.8), dbSNP rs786201446, ClinGen allele CA014461.

ClinVar aggregate classification (germline): Benign/Likely benign. Review status: criteria provided, multiple submitters, no conflicts (2 of 4 stars). 3 submissions from 3 submitters: Benign (1); Likely benign (2). Last evaluated 2024-04-15.

Conditions:
Hereditary cancer-predisposing syndrome. Also called: Hereditary neoplastic syndrome; Neoplastic Syndromes, Hereditary; Tumor predisposition; Hereditary Cancer Syndrome. Identifiers: Orphanet 140162, MedGen C0027672, MeSH D009386, MONDO:0015356.
Familial adenomatous polyposis 1 (FAP1). Also called: FAMILIAL ADENOMATOUS POLYPOSIS 1, ATTENUATED; POLYPOSIS, ADENOMATOUS INTESTINAL. Identifiers: MedGen C2713442, MONDO:0021056, OMIM 175100. Disease mechanism: loss of function.

Submissions (3):

Myriad Genetics, Inc.
Classification: Benign for Familial adenomatous polyposis 1. Last evaluated: 2024-04-15. Review status: criteria provided, single submitter. Criteria: Myriad Autosomal Dominant, Autosomal Recessive and X-Linked Classification Criteria (2023). Collection method: clinical testing. Allele origin: unknown.
Comment: This variant is considered benign. This variant is a silent/synonymous amino acid change and it is not expected to impact splicing.

Ambry Genetics
Classification: Likely benign for Hereditary cancer-predisposing syndrome. Last evaluated: 2022-08-31. Review status: criteria provided, single submitter. Criteria: Ambry Variant Classification Scheme 2023. Collection method: clinical testing. Allele origin: germline.

Color Diagnostics, LLC DBA Color Health
Classification: Likely benign for Hereditary cancer-predisposing syndrome. Last evaluated: 2021-09-17. Review status: criteria provided, single submitter. Criteria: ACMG Guidelines, 2015. Collection method: clinical testing. Allele origin: germline.